The following is an entry in ClinVar:

NM_031885.5(BBS2):c.986T>C (p.Met329Thr)

Gene: BBS2 (Bardet-Biedl syndrome 2; minus strand). Cytogenetic location: 16q13.
Variant type: single nucleotide variant.
Coding change: c.986T>C on transcript NM_031885.5 (MANE Select); coding-DNA position 986, T replaced by C.
Protein change: p.Met329Thr; replaces methionine 329 with threonine.
Molecular consequence: missense variant. On other transcripts: non-coding transcript variant (5).
Genome position (GRCh38, 1-based): chr16:56,502,411, A>G on the plus strand (T>C on the coding strand, the complement: BBS2 is on the minus strand). VCF-style: chr16-56502411-A-G. GRCh37 (hg19) VCF-style: chr16-56536323-A-G.
Other names: c.986T>C, p.Met329Thr (NM_001377456.1); c.986T>C (NM_031885.3); short protein forms M329T.
Identifiers: ClinVar variation 625449 (VCV000625449.6), dbSNP rs201146063, ClinGen allele CA8065851.

ClinVar aggregate classification (germline): Uncertain significance. Review status: criteria provided, multiple submitters, no conflicts (2 of 4 stars). 5 submissions from 5 submitters: Uncertain significance (5). Last evaluated 2024-07-30.

Conditions:
BBS2-related disorder. Also called: BBS2-related disorders; BBS2-related condition. Identifiers: MedGen CN239228.
Bardet-Biedl syndrome 2 (BBS2). Identifiers: Orphanet 110, MedGen C2936863, MONDO:0014432, OMIM 615981.
Retinitis pigmentosa 74 (RP74). Identifiers: Orphanet 791, MedGen C4225281, MONDO:0014692, OMIM 616562.
Bardet-Biedl syndrome (BBS). Identifiers: Orphanet 110, MedGen C0752166, MONDO:0015229.

Allele frequency attached by ClinVar (database versions not stated): gnomAD 0.00001 and 0.00003; gnomAD exomes 0.00002 and 0.00004; TOPMed 0.00002; ExAC 0.00007; 1000 Genomes Project 30x 0.00016; 1000 Genomes Project 0.00020.
gnomAD v4.1: 33 of 1,614,206 alleles (0.002%); highest among the groups gnomAD compares: Middle Eastern, 0.016%; no homozygotes.

Submissions (5):

Blueprint Genetics
Classification: Uncertain significance. Last evaluated: 2024-07-30. Review status: criteria provided, single submitter. Criteria: ACMG Guidelines, 2015. Collection method: clinical testing. Allele origin: germline.

PreventionGenetics, part of Exact Sciences
Classification: Uncertain significance for BBS2-related condition. Last evaluated: 2023-08-01. Review status: criteria provided, single submitter. Criteria: ACMG Guidelines, 2015. Collection method: clinical testing. Allele origin: germline.
Comment: The BBS2 c.986T>C variant is predicted to result in the amino acid substitution p.Met329Thr. To our knowledge, this variant has not been reported in the literature. This variant is reported in 0.0098% of alleles in individuals of South Asian descent in gnomAD. At this time, the clinical significance of this variant is uncertain due to the absence of conclusive functional and genetic evidence.

Labcorp Genetics (formerly Invitae), Labcorp
Classification: Uncertain significance for Bardet-Biedl syndrome. Last evaluated: 2022-04-22. Review status: criteria provided, single submitter. Criteria: Invitae Variant Classification Sherloc (09022015). Collection method: clinical testing. Allele origin: germline.
Comment: This sequence change replaces methionine, which is neutral and non-polar, with threonine, which is neutral and polar, at codon 329 of the BBS2 protein (p.Met329Thr). This variant is present in population databases (rs201146063, gnomAD 0.01%). This missense change has been observed in individual(s) with clinical features of Bardet-Biedl syndrome (PMID: 28143435). ClinVar contains an entry for this variant (Variation ID: 625449). Algorithms developed to predict the effect of missense changes on protein structure and function (SIFT, PolyPhen-2, Align-GVGD) all suggest that this variant is likely to be tolerated. In summary, the available evidence is currently insufficient to determine the role of this variant in disease. Therefore, it has been classified as a Variant of Uncertain Significance.

Fulgent Genetics
Classification: Uncertain significance for Bardet-Biedl syndrome 2; Retinitis pigmentosa 74. Last evaluated: 2021-11-05. Review status: criteria provided, single submitter. Criteria: ACMG Guidelines, 2015. Collection method: clinical testing. Allele origin: unknown.

MAGI'S LAB - Medical Genetics Laboratory, MAGI GROUP
Classification: Uncertain significance for Bardet-Biedl syndrome. Last evaluated: 2018-10-01. Review status: criteria provided, single submitter. Criteria: ACMG Guidelines, 2015. Collection method: clinical testing. Allele origin: germline. Affected: yes.

Literature cited by the submitters: PubMed 28143435 (cited by Labcorp Genetics (formerly Invitae), Labcorp); PubMed 11285252 (cited by MAGI'S LAB - Medical Genetics Laboratory, MAGI GROUP).